The following is an entry in ClinVar:

ClinVar aggregate classification (germline): Conflicting classifications of pathogenicity. Review status: criteria provided, conflicting classifications (1 of 4 stars). 5 submissions from 5 submitters: Uncertain significance (1); Likely benign (3). 1 of the submissions does not count toward it. Last evaluated 2026-01-13.

Conditions:
Glycine encephalopathy. Also called: Non-ketotic hyperglycinemia; Nonketotic hyperglycinemia. Identifiers: Orphanet 407, MedGen C0751748, MONDO:0011612, HP:0008288.
GLDC-related disorder. Also called: GLDC-related condition.

Allele frequency attached by ClinVar (database versions not stated): TOPMed 0.00009; ExAC 0.00014; ESP Exome Variant Server 0.00015; gnomAD exomes 0.00018; gnomAD 0.00019.
gnomAD v4.1: 276 of 1,576,200 alleles (0.018%); highest among the groups gnomAD compares: Non-Finnish European, 0.02%; no homozygotes.

Submissions (5):

Labcorp Genetics (formerly Invitae), Labcorp
Classification: Likely benign for Glycine encephalopathy. Last evaluated: 2026-01-13. Review status: criteria provided, single submitter. Criteria: Invitae Variant Classification Sherloc (09022015). Collection method: clinical testing. Allele origin: germline.

Blueprint Genetics
Classification: Likely benign. Last evaluated: 2024-07-11. Review status: criteria provided, single submitter. Criteria: ACMG Guidelines, 2015. Collection method: clinical testing. Allele origin: germline.

GeneDx
Classification: Likely benign. Last evaluated: 2020-11-12. Review status: criteria provided, single submitter. Criteria: GeneDx Variant Classification Process June 2021. Collection method: clinical testing. Allele origin: germline. Affected: yes.

Illumina Laboratory Services, Illumina
Classification: Uncertain significance for Glycine encephalopathy 1. Last evaluated: 2018-01-13. Review status: criteria provided, single submitter. Criteria: ICSL Variant Classification Criteria 13 December 2019. Collection method: clinical testing. Allele origin: germline.

PreventionGenetics, part of Exact Sciences
Classification: Likely benign for GLDC-related condition. Last evaluated: 2019-07-12. Review status: no assertion criteria provided. Collection method: clinical testing. Allele origin: germline. Not counted in ClinVar's aggregate classification.
Comment: This variant is classified as likely benign based on ACMG/AMP sequence variant interpretation guidelines (Richards et al. 2015 PMID: 25741868, with internal and published modifications).

NM_000170.3(GLDC):c.2570-10T>C

Gene: GLDC (glycine decarboxylase; minus strand). Cytogenetic location: 9p24.1.
Variant type: single nucleotide variant.
Coding change: c.2570-10T>C on transcript NM_000170.3 (MANE Select); 10 bases into the intron before coding-DNA position 2570, T replaced by C.
Molecular consequence: intron variant.
Genome position (GRCh38, 1-based): chr9:6,540,156, A>G on the plus strand (T>C on the coding strand, the complement: GLDC is on the minus strand). VCF-style: chr9-6540156-A-G. GRCh37 (hg19) VCF-style: chr9-6540156-A-G.
Identifiers: ClinVar variation 914570 (VCV000914570.16), dbSNP rs373987254, ClinGen allele CA4980149.